The following is an entry in ClinVar:

NM_001114753.3(ENG):c.1724T>C (p.Ile575Thr)

Genes: ENG (endoglin; minus strand), LOC102723566 (uncharacterized LOC102723566; plus strand). Cytogenetic location: 9q34.11.
Variant type: single nucleotide variant.
Coding change: c.1724T>C on transcript NM_001114753.3 (MANE Select); coding-DNA position 1724, T replaced by C.
Protein change: p.Ile575Thr; replaces isoleucine 575 with threonine.
Molecular consequence: missense variant. On other transcripts: non-coding transcript variant (1).
Genome position (GRCh38, 1-based): chr9:127,817,166, A>G on the plus strand (T>C on the coding strand, the complement: ENG is on the minus strand). VCF-style: chr9-127817166-A-G. GRCh37 (hg19) VCF-style: chr9-130579445-A-G.
Other names: c.1724T>C, p.Ile575Thr (NM_000118.4); c.1178T>C, p.Ile393Thr (NM_001278138.2); short protein forms I393T, I575T.
Identifiers: ClinVar variation 1014540 (VCV001014540.10), dbSNP rs1284713532, ClinGen allele CA374973492.

ClinVar aggregate classification (germline): Uncertain significance (1 of 4 stars; one submission).

Conditions:
Hereditary hemorrhagic telangiectasia (HHT). Also called: Osler hemorrhagic telangiectasia syndrome; ORW DISEASE; Osler Weber Rendu syndrome; OSLER-RENDU-WEBER DISEASE. Identifiers: Orphanet 774, MedGen C0039445, MONDO:0019180. Disease mechanism: loss of function.

Allele frequency attached by ClinVar (database versions not stated): gnomAD exomes below 0.00001; TOPMed below 0.00001.
gnomAD v4.1: 2 of 1,614,166 alleles (0.00012%); highest among the groups gnomAD compares: Non-Finnish European, 0.00017%; no homozygotes.

Submission:

Labcorp Genetics (formerly Invitae), Labcorp
Classification: Uncertain significance for Hereditary hemorrhagic telangiectasia. Last evaluated: 2025-12-14. Review status: criteria provided, single submitter. Criteria: Invitae Variant Classification Sherloc (09022015). Collection method: clinical testing. Allele origin: germline.
Comment: This sequence change replaces isoleucine, which is neutral and non-polar, with threonine, which is neutral and polar, at codon 575 of the ENG protein (p.Ile575Thr). This variant is not present in population databases (gnomAD no frequency). This missense change has been observed in individual(s) with clinical features of hereditary hemorrhagic telangiectasia (PMID: 12786761, 15712271). ClinVar contains an entry for this variant (Variation ID: 1014540). Invitae Evidence Modeling of protein sequence and biophysical properties (such as structural, functional, and spatial information, amino acid conservation, physicochemical variation, residue mobility, and thermodynamic stability) indicates that this missense variant is not expected to disrupt ENG protein function with a negative predictive value of 95%. In summary, the available evidence is currently insufficient to determine the role of this variant in disease. Therefore, it has been classified as a Variant of Uncertain Significance.

Literature cited by the submitters: PubMed 12786761; PubMed 15712271.